The following is an entry in ClinVar:

ClinVar aggregate classification (germline): Pathogenic (1 of 4 stars; one submission).

Conditions:
Atypical hemolytic-uremic syndrome. Identifiers: Orphanet 2134, MedGen C2931788, MONDO:0016244.

Submission:

Genomenon, Inc
Classification: Pathogenic for Atypical hemolytic-uremic syndrome. Last evaluated: 2026-09-17. Review status: criteria provided, single submitter. Criteria: Genomenon Sequence Variant Interpretation Standards - Updated. Collection method: curation. Allele origin: germline. Affected: yes.
Comment: CFH p.Gln293Ter (c.877C>T) is a nonsense variant that introduces a premature stop codon at amino acid position 293 and is predicted to result in a truncated or absent protein product. This variant has been observed in at least one proband affected with atypical hemolytic-uremic syndrome (PMID: 37964416). It is absent or not present at a significant frequency in gnomAD. In conclusion, we classify CFH p.Gln293Ter (c.877C>T) as a pathogenic variant.

Literature cited by the submitters: PubMed 37964416.

NM_000186.4(CFH):c.877C>T (p.Gln293Ter)

Gene: CFH (complement factor H; plus strand). Cytogenetic location: 1q31.3.
Variant type: single nucleotide variant.
Coding change: c.877C>T on transcript NM_000186.4 (MANE Select); coding-DNA position 877, C replaced by T.
Protein change: p.Gln293Ter; replaces glutamine 293 with a stop codon.
Molecular consequence: nonsense.
Genome position (GRCh38, 1-based): chr1:196,685,150, C>T. VCF-style: chr1-196685150-C-T. GRCh37 (hg19) VCF-style: chr1-196654280-C-T.
Other names: c.877C>T, p.Gln293Ter (NM_001014975.3); short protein forms Q293*.
Identifiers: ClinVar variation 4976845 (VCV004976845.1).